The following is an entry in ClinVar:

NM_006662.3(SRCAP):c.2112G>A (p.Glu704=)

Gene: SRCAP (Snf2 related CREBBP activator protein; plus strand). Cytogenetic location: 16p11.2.
Variant type: single nucleotide variant.
Coding change: c.2112G>A on transcript NM_006662.3 (MANE Select); coding-DNA position 2112, G replaced by A.
Protein change: p.Glu704=; no amino-acid change (glutamic acid 704 retained).
Molecular consequence: synonymous variant.
Genome position (GRCh38, 1-based): chr16:30,712,797, G>A. VCF-style: chr16-30712797-G-A. GRCh37 (hg19) VCF-style: chr16-30724118-G-A.
Identifiers: ClinVar variation 3629556 (VCV003629556.2).

ClinVar aggregate classification (germline): Uncertain significance (1 of 4 stars; one submission).

gnomAD v4.1: 3 of 1,614,168 alleles (0.00019%); highest among the groups gnomAD compares: Non-Finnish European, 0.00025%; no homozygotes.

Submission:

Women's Health and Genetics/Laboratory Corporation of America, LabCorp
Classification: Uncertain significance. Last evaluated: 2024-11-26. Review status: criteria provided, single submitter. Criteria: LabCorp Variant Classification Summary - May 2015. Collection method: clinical testing. Allele origin: germline.
Comment: Variant summary: SRCAP c.2112G>A alters a conserved nucleotide resulting in a synonymous change. Consensus agreement among computation tools predict no significant impact on normal splicing. However, these predictions have yet to be confirmed by functional studies. The variant was absent in 251464 control chromosomes. The available data on variant occurrences in the general population are insufficient to allow any conclusion about variant significance. These data do not allow any conclusion about variant significance. To our knowledge, no experimental evidence demonstrating an impact on protein function has been reported. No submitters have cited clinical-significance assessments for this variant to ClinVar. Based on the evidence outlined above, the variant was classified as uncertain significance.